The following is an entry in ClinVar:

ClinVar aggregate classification (germline): Uncertain significance (1 of 4 stars; one submission).

Conditions:
Hereditary pancreatitis (PCTT). Also called: Hereditary chronic pancreatitis; PRSS1-Related Hereditary Pancreatitis. Identifiers: Orphanet 676, MedGen C0238339, MONDO:0008185, OMIM 167800.

Allele frequency attached by ClinVar (database versions not stated): gnomAD exomes below 0.00001; TOPMed below 0.00001; gnomAD 0.00001.
gnomAD v4.1: 2 of 1,614,066 alleles (0.00012%); highest among the groups gnomAD compares: Non-Finnish European, 0.00017%; no homozygotes.

Submission:

Labcorp Genetics (formerly Invitae), Labcorp
Classification: Uncertain significance for Hereditary pancreatitis. Last evaluated: 2025-02-26. Review status: criteria provided, single submitter. Criteria: Invitae Variant Classification Sherloc (09022015). Collection method: clinical testing. Allele origin: germline.
Comment: This sequence change replaces proline, which is neutral and non-polar, with leucine, which is neutral and non-polar, at codon 219 of the CTRC protein (p.Pro219Leu). This variant is not present in population databases (gnomAD no frequency). This variant has not been reported in the literature in individuals affected with CTRC-related conditions. ClinVar contains an entry for this variant (Variation ID: 2765176). Invitae Evidence Modeling of protein sequence and biophysical properties (such as structural, functional, and spatial information, amino acid conservation, physicochemical variation, residue mobility, and thermodynamic stability) has been performed for this missense variant. However, the output from this modeling did not meet the statistical confidence thresholds required to predict the impact of this variant on CTRC protein function. In summary, the available evidence is currently insufficient to determine the role of this variant in disease. Therefore, it has been classified as a Variant of Uncertain Significance.

NM_007272.3(CTRC):c.656C>T (p.Pro219Leu)

Gene: CTRC (chymotrypsin C; plus strand). Cytogenetic location: 1p36.21.
Variant type: single nucleotide variant.
Coding change: c.656C>T on transcript NM_007272.3 (MANE Select); coding-DNA position 656, C replaced by T.
Protein change: p.Pro219Leu; replaces proline 219 with leucine.
Molecular consequence: missense variant.
Genome position (GRCh38, 1-based): chr1:15,445,613, C>T. VCF-style: chr1-15445613-C-T. GRCh37 (hg19) VCF-style: chr1-15772108-C-T.
Other names: short protein forms P219L.
Identifiers: ClinVar variation 2765176 (VCV002765176.3), dbSNP rs1404444113, ClinGen allele CA338567701.